The following is an entry in ClinVar:

ClinVar aggregate classification (germline): Uncertain significance. Review status: criteria provided, multiple submitters, no conflicts (2 of 4 stars). 4 submissions from 4 submitters: Uncertain significance (3). 1 of the submissions does not count toward it. Last evaluated 2025-09-10.

Conditions:
Hereditary cancer-predisposing syndrome. Also called: Tumor predisposition; Hereditary neoplastic syndrome; Neoplastic Syndromes, Hereditary; Hereditary Cancer Syndrome. Identifiers: Orphanet 140162, MedGen C0027672, MeSH D009386, MONDO:0015356.
Tuberous sclerosis syndrome (TSC). Also called: Tuberous sclerosis; Tuberous Sclerosis Complex. Identifiers: Orphanet 805, MedGen C0041341, MONDO:0001734.
Tuberous sclerosis 1 (TSC1). Identifiers: Orphanet 805, MedGen C1854465, MONDO:0008612, OMIM 191100.

Allele frequency attached by ClinVar (database versions not stated): gnomAD exomes below 0.00001.
gnomAD v4.1: 5 of 1,613,638 alleles (0.00031%); highest among the groups gnomAD compares: Non-Finnish European, 0.00042%; no homozygotes.

Submissions (4):

Color Diagnostics, LLC DBA Color Health
Classification: Uncertain significance for Tuberous sclerosis syndrome. Last evaluated: 2025-09-10. Review status: criteria provided, single submitter. Criteria: ACMG Guidelines, 2015. Collection method: clinical testing. Allele origin: germline.
Comment: This missense variant replaces lysine with glutamine at codon 741 of the TSC1 protein. Computational prediction suggests that this variant may not impact protein structure and function. To our knowledge, functional studies have not been reported for this variant. This variant has not been reported in individuals affected with TSC1-related disorders in the literature. This variant has not been identified in the general population by the Genome Aggregation Database (gnomAD). The available evidence is insufficient to determine the role of this variant in disease conclusively. Therefore, this variant is classified as a Variant of Uncertain Significance.

Ambry Genetics
Classification: Uncertain significance for Hereditary cancer-predisposing syndrome. Last evaluated: 2025-01-17. Review status: criteria provided, single submitter. Criteria: Ambry Variant Classification Scheme 2023. Collection method: clinical testing. Allele origin: germline.
Comment: The p.K741Q variant (also known as c.2221A>C), located in coding exon 16 of the TSC1 gene, results from an A to C substitution at nucleotide position 2221. The lysine at codon 741 is replaced by glutamine, an amino acid with similar properties. This amino acid position is well conserved in available vertebrate species. In addition, the in silico prediction for this alteration is inconclusive. Based on the available evidence, the clinical significance of this variant remains unclear.

Labcorp Genetics (formerly Invitae), Labcorp
Classification: Uncertain significance for Tuberous sclerosis 1. Last evaluated: 2024-09-03. Review status: criteria provided, single submitter. Criteria: Invitae Variant Classification Sherloc (09022015). Collection method: clinical testing. Allele origin: germline.
Comment: This sequence change replaces lysine, which is basic and polar, with glutamine, which is neutral and polar, at codon 741 of the TSC1 protein (p.Lys741Gln). This variant is not present in population databases (gnomAD no frequency). This variant has not been reported in the literature in individuals affected with TSC1-related conditions. ClinVar contains an entry for this variant (Variation ID: 135365). Invitae Evidence Modeling of protein sequence and biophysical properties (such as structural, functional, and spatial information, amino acid conservation, physicochemical variation, residue mobility, and thermodynamic stability) indicates that this missense variant is not expected to disrupt TSC1 protein function with a negative predictive value of 95%. In summary, the available evidence is currently insufficient to determine the role of this variant in disease. Therefore, it has been classified as a Variant of Uncertain Significance.

ITMI
No classification provided. Condition: AllHighlyPenetrant. Last evaluated: 2013-09-19. Review status: no classification provided. Collection method: reference population. Allele origin: germline. Not counted in ClinVar's aggregate classification.
Comment: Please see associated publication for description of ethnicities

Literature cited by the submitters: PubMed 24728327 (cited by ITMI).

NM_000368.5(TSC1):c.2221A>C (p.Lys741Gln)

Gene: TSC1 (TSC complex subunit 1; minus strand). Cytogenetic location: 9q34.13.
Variant type: single nucleotide variant.
Coding change: c.2221A>C on transcript NM_000368.5 (MANE Select); coding-DNA position 2221, A replaced by C.
Protein change: p.Lys741Gln; replaces lysine 741 with glutamine.
Molecular consequence: missense variant.
Genome position (GRCh38, 1-based): chr9:132,902,775, T>G on the plus strand (A>C on the coding strand, the complement: TSC1 is on the minus strand). VCF-style: chr9-132902775-T-G. GRCh37 (hg19) VCF-style: chr9-135778162-T-G.
Other names: c.2218A>C, p.Lys740Gln (NM_001162426.2); c.2068A>C, p.Lys690Gln (NM_001162427.2); c.1858A>C, p.Lys620Gln (NM_001362177.2); c.2221A>C (NM_000368.4); short protein forms K741Q, K620Q, K740Q, K690Q.
Identifiers: ClinVar variation 135365 (VCV000135365.10), dbSNP rs587778723, ClinGen allele CA006148.
Genomic context (GRCh38, chr9:132,902,775, plus strand): 5'-ATCTAGCTTGTTCTTTCTGCAGACTAACCTTCCACATCTGGATGTCCTTCTCTTGTAACT[T>G]CAACTGATCTTTCTAGCAGAGACCAGAAATGTCATCATTTTAGCTGTCTTCCAACACAGG-3'
Protein context (NP_000359.1, residues 731-751): EHNAAMKDQL[Lys741Gln]LQEKDIQMWK